The following is an entry in ClinVar:

NM_000460.4(THPO):c.9G>A (p.Leu3=)

Gene: THPO (thrombopoietin; minus strand). Cytogenetic location: 3q27.1.
Variant type: single nucleotide variant.
Coding change: c.9G>A on transcript NM_000460.4 (MANE Select); coding-DNA position 9, G replaced by A.
Protein change: p.Leu3=; no amino-acid change (leucine 3 retained).
Molecular consequence: synonymous variant.
Genome position (GRCh38, 1-based): chr3:184,376,251, C>T on the plus strand (G>A on the coding strand, the complement: THPO is on the minus strand). VCF-style: chr3-184376251-C-T. GRCh37 (hg19) VCF-style: chr3-184094039-C-T.
Other names: c.9G>A, p.Leu3= (NM_001177597.2, NM_001177598.2, NM_001289997.1 and 5 more transcripts); c.429G>A, p.Leu143= (NM_001290003.1).
Identifiers: ClinVar variation 1314548 (VCV001314548.9), dbSNP rs577831346, ClinGen allele CA2735095.

ClinVar aggregate classification (germline): Conflicting classifications of pathogenicity. Review status: criteria provided, conflicting classifications (1 of 4 stars). 3 submissions from 3 submitters: Uncertain significance (1); Likely benign (2). Last evaluated 2025-03-25.

Allele frequency attached by ClinVar (database versions not stated): gnomAD exomes 0.00001 and 0.00006; gnomAD 0.00002 and 0.00003; TOPMed 0.00005; ExAC 0.00009; 1000 Genomes Project 30x 0.00031; 1000 Genomes Project 0.00040.
gnomAD v4.1: 25 of 1,614,188 alleles (0.0015%); highest among the groups gnomAD compares: East Asian, 0.049%; no homozygotes.

Submissions (3):

Labcorp Genetics (formerly Invitae), Labcorp
Classification: Likely benign. Last evaluated: 2025-03-25. Review status: criteria provided, single submitter. Criteria: Invitae Variant Classification Sherloc (09022015). Collection method: clinical testing. Allele origin: germline.

Blueprint Genetics
Classification: Likely benign. Last evaluated: 2023-06-12. Review status: criteria provided, single submitter. Criteria: ACMG Guidelines, 2015. Collection method: clinical testing. Allele origin: germline.

GeneDx
Classification: Uncertain significance. Last evaluated: 2020-01-23. Review status: criteria provided, single submitter. Criteria: GeneDx Variant Classification Process June 2021. Collection method: clinical testing. Allele origin: germline. Affected: yes.
Comment: In silico analysis, which includes splice predictors and evolutionary conservation, supports that this variant does not alter protein structure/function; Has not been previously published as pathogenic or benign to our knowledge